The following is an entry in ClinVar:

ClinVar aggregate classification (germline): Likely benign. Review status: criteria provided, multiple submitters, no conflicts (2 of 4 stars). 2 submissions from 2 submitters: Likely benign (2). Last evaluated 2025-08-18.

Allele frequency attached by ClinVar (database versions not stated): gnomAD exomes below 0.00001.
gnomAD v4.1: 3 of 1,503,534 alleles (0.0002%); highest among the groups gnomAD compares: Non-Finnish European, 0.00018%; no homozygotes.

Submissions (2):

Labcorp Genetics (formerly Invitae), Labcorp
Classification: Likely benign. Last evaluated: 2025-08-18. Review status: criteria provided, single submitter. Criteria: Invitae Variant Classification Sherloc (09022015). Collection method: clinical testing. Allele origin: germline.

CeGaT Center for Human Genetics Tuebingen
Classification: Likely benign. Last evaluated: 2022-08-01. Review status: criteria provided, single submitter. Criteria: CeGaT Center For Human Genetics Tuebingen Variant Classification Criteria Version 2. Collection method: clinical testing. Allele origin: germline. Affected: yes. Observed: 1 variant allele.
Comment: SLC25A4: PM2:Supporting, BP4, BP7

NM_001151.4(SLC25A4):c.81C>T (p.Ala27=)

Gene: SLC25A4 (solute carrier family 25 member 4; plus strand). Cytogenetic location: 4q35.1.
Variant type: single nucleotide variant.
Coding change: c.81C>T on transcript NM_001151.4 (MANE Select); coding-DNA position 81, C replaced by T.
Protein change: p.Ala27=; no amino-acid change (alanine 27 retained).
Molecular consequence: synonymous variant.
Genome position (GRCh38, 1-based): chr4:185,143,453, C>T. VCF-style: chr4-185143453-C-T. GRCh37 (hg19) VCF-style: chr4-186064607-C-T.
Identifiers: ClinVar variation 2655209 (VCV002655209.25), dbSNP rs2477166061, ClinGen allele CA442614916.